The following is an entry in ClinVar:

ClinVar aggregate classification (germline): Likely benign (0 of 4 stars; one submission).

Conditions:
SYTL5-related disorder. Also called: SYTL5-related condition.

Allele frequency attached by ClinVar (database versions not stated): gnomAD exomes 0.00036; ExAC 0.00071; ESP Exome Variant Server 0.00123; 1000 Genomes Project 30x 0.00125; 1000 Genomes Project 0.00132; gnomAD 0.00150; TOPMed 0.00200.
gnomAD v4.1: 576 of 1,195,776 alleles (0.048%); highest among the groups gnomAD compares: Middle Eastern, 0.56%; no homozygotes.

Submission:

PreventionGenetics, part of Exact Sciences
Classification: Likely benign for SYTL5-related condition. Last evaluated: 2023-06-14. Review status: no assertion criteria provided. Collection method: clinical testing. Allele origin: germline.
Comment: This variant is classified as likely benign based on ACMG/AMP sequence variant interpretation guidelines (Richards et al. 2015 PMID: 25741868, with internal and published modifications).

NM_138780.3(SYTL5):c.947C>T (p.Thr316Ile)

Gene: SYTL5 (synaptotagmin like 5; plus strand). Cytogenetic location: Xp11.4.
Variant type: single nucleotide variant.
Coding change: c.947C>T on transcript NM_138780.3 (MANE Select); coding-DNA position 947, C replaced by T.
Protein change: p.Thr316Ile; replaces threonine 316 with isoleucine.
Molecular consequence: missense variant.
Genome position (GRCh38, 1-based): chrX:38,094,410, C>T. VCF-style: chrX-38094410-C-T. GRCh37 (hg19) VCF-style: chrX-37953663-C-T.
Other names: c.947C>T, p.Thr316Ile (NM_001163334.1, NM_001163335.2); short protein forms T316I.
Identifiers: ClinVar variation 3046489 (VCV003046489.2), dbSNP rs143034665, ClinGen allele CA10384353.